The following is an entry in ClinVar:

ClinVar aggregate classification (germline): Conflicting classifications of pathogenicity. Review status: criteria provided, conflicting classifications (1 of 4 stars). 9 submissions from 7 submitters: Pathogenic (2); Likely pathogenic (2); Uncertain significance (4). 1 of the submissions does not count toward it. Last evaluated 2025-03-06.

Conditions:
Charcot-Marie-Tooth disease axonal type 2X. Also called: CHARCOT-MARIE-TOOTH DISEASE, AXONAL, AUTOSOMAL RECESSIVE, TYPE 2X; CHARCOT-MARIE-TOOTH NEUROPATHY, TYPE 2X. Identifiers: Orphanet 466775, MedGen C5569024, MONDO:0014726, OMIM 616668.
Amyotrophic lateral sclerosis type 5 (ALS5). Also called: AMYOTROPHIC LATERAL SCLEROSIS 5, JUVENILE. Identifiers: Orphanet 300605, MedGen C1865864, MONDO:0011196, OMIM 602099.
Hereditary spastic paraplegia. Also called: Familial spastic paraparesis. Identifiers: Orphanet 685, MedGen C0037773, MONDO:0019064. Disease mechanism: loss of function.
Hereditary spastic paraplegia 11. Also called: SPASTIC PARAPLEGIA, AUTOSOMAL RECESSIVE, COMPLICATED, WITH THIN CORPUS CALLOSUM; SPASTIC PARAPLEGIA, AUTOSOMAL RECESSIVE, WITH MENTAL IMPAIRMENT AND THIN CORPUS CALLOSUM; Spastic paraplegia, mental retardation and thin corpus callosum; Spastic Paraplegia 11; Nakamura Osame syndrome; Autosomal recessive hereditary spastic paraplegia, mental impairment, and thin corpus callosum. Identifiers: Orphanet 2822, MedGen C1858479, MONDO:0011445, OMIM 604360.

Allele frequency attached by ClinVar (database versions not stated): gnomAD exomes below 0.00001.
gnomAD v4.1: 3 of 1,614,046 alleles (0.00019%); highest among the groups gnomAD compares: South Asian, 0.0011%; no homozygotes.

Submissions (9):

Dasa
Classification: Likely pathogenic. Last evaluated: 2025-03-06. Review status: criteria provided, single submitter. Criteria: DASA Assertion Criteria. Collection method: clinical testing. Allele origin: germline.
Comment: NM_025137.4(SPG11):c.6477+4A>G is a splice-region variant predicted to affect normal RNA splicing. This variant has been reported in individuals with SPG11-related disorders (PMID: 18079167). Also, this variant is rare in population databases. Computational evidence supports a deleterious effect. Based on the currently available evidence, this variant is classified as likely pathogenic.

Labcorp Genetics (formerly Invitae), Labcorp
Classification: Likely pathogenic for Hereditary spastic paraplegia 11. Last evaluated: 2025-02-19. Review status: criteria provided, single submitter. Criteria: Invitae Variant Classification Sherloc (09022015). Collection method: clinical testing. Allele origin: germline.
Comment: This sequence change falls in intron 34 of the SPG11 gene. It does not directly change the encoded amino acid sequence of the SPG11 protein. It affects a nucleotide within the consensus splice site. This variant is not present in population databases (gnomAD no frequency). This variant has been observed in individual(s) with autosomal recessive hereditary spastic paraplegia (PMID: 18079167, 35012964). In at least one individual the data is consistent with being in trans (on the opposite chromosome) from a pathogenic variant. This variant is also known as c.6138+4A>G. ClinVar contains an entry for this variant (Variation ID: 41345). Variants that disrupt the consensus splice site are a relatively common cause of aberrant splicing (PMID: 17576681, 9536098). Algorithms developed to predict the effect of sequence changes on RNA splicing suggest that this variant may disrupt the consensus splice site. In summary, the currently available evidence indicates that the variant is pathogenic, but additional data are needed to prove that conclusively. Therefore, this variant has been classified as Likely Pathogenic.

Women's Health and Genetics/Laboratory Corporation of America, LabCorp
Classification: Pathogenic for Hereditary spastic paraplegia. Last evaluated: 2024-10-10. Review status: criteria provided, single submitter. Criteria: LabCorp Variant Classification Summary - May 2015. Collection method: clinical testing. Allele origin: germline.
Comment: Variant summary: SPG11 c.6477+4A>G alters a non-conserved nucleotide located close to a canonical splice site and therefore could affect mRNA splicing, leading to a significantly altered protein sequence. Several computational tools predict a significant impact on normal splicing: Four predict the variant weakens a 5' donor site. At least one publication reports experimental evidence that this variant affects mRNA splicing by causing the skipping of exon 34 (e.g., Schluter_2022). The variant was absent in 250882 control chromosomes. c.6477+4A>G has been reported in the literature in individuals with Spastic paraplegia and Charcot-Marie-Tooth disease (e.g. Stevanin_2008, Schluter_2022, Barbosa-Gouveia_2022). These data indicate that the variant is likely to be associated with disease. The following publications have been ascertained in the context of this evaluation (PMID: 35628876, 35012964, 18079167). ClinVar contains an entry for this variant (Variation ID: 41345). Based on the evidence outlined above, the variant was classified as pathogenic.

Neurometabolic Diseases Laboratory, Bellvitge Biomedical Research Institute (IDIBELL)
Classification: Pathogenic for Hereditary spastic paraplegia 11. Last evaluated: 2023-04-27. Review status: criteria provided, single submitter. Criteria: ACMG Guidelines, 2015. Collection method: research. Allele origin: germline. Affected: yes.

Genome Diagnostics Laboratory, The Hospital for Sick Children
Classification: Uncertain significance for Hereditary spastic paraplegia. Last evaluated: 2018-05-01. Review status: criteria provided, single submitter. Criteria: ACMG Guidelines, 2015. Collection method: clinical testing. Allele origin: germline. Affected: yes.

Genome-Nilou Lab
Classification: Uncertain significance for Amyotrophic lateral sclerosis type 5. Review status: criteria provided, single submitter. Criteria: ACMG Guidelines, 2015. Collection method: clinical testing. Allele origin: germline.

Genome-Nilou Lab
Classification: Uncertain significance for Charcot-Marie-Tooth disease axonal type 2X. Review status: criteria provided, single submitter. Criteria: ACMG Guidelines, 2015. Collection method: clinical testing. Allele origin: germline.

Genome-Nilou Lab
Classification: Uncertain significance for Hereditary spastic paraplegia 11. Review status: criteria provided, single submitter. Criteria: ACMG Guidelines, 2015. Collection method: clinical testing. Allele origin: germline.

GeneReviews
No classification provided. Condition: Hereditary spastic paraplegia 11. Review status: no classification provided. Collection method: literature only. Allele origin: unknown. Not counted in ClinVar's aggregate classification.

Literature cited by the submitters: PubMed 18079167 (cited by 4 submitters); PubMed 35012964 (cited by Labcorp Genetics (formerly Invitae), Labcorp and Women's Health and Genetics/Laboratory Corporation of America, LabCorp); PubMed 17576681 (cited by Labcorp Genetics (formerly Invitae), Labcorp); PubMed 9536098 (cited by Labcorp Genetics (formerly Invitae), Labcorp); PubMed 35628876 (cited by Women's Health and Genetics/Laboratory Corporation of America, LabCorp); PubMed 20301389 (cited by GeneReviews); NCBI Bookshelf NBK1210 (cited by GeneReviews).

NM_025137.4(SPG11):c.6477+4A>G

Gene: SPG11 (SPG11 vesicle trafficking associated, spatacsin; minus strand). Cytogenetic location: 15q21.1.
Variant type: single nucleotide variant.
Coding change: c.6477+4A>G on transcript NM_025137.4 (MANE Select); 4 bases into the intron after coding-DNA position 6477, A replaced by G.
Molecular consequence: intron variant.
Genome position (GRCh38, 1-based): chr15:44,570,521, T>C on the plus strand (A>G on the coding strand, the complement: SPG11 is on the minus strand). VCF-style: chr15-44570521-T-C. GRCh37 (hg19) VCF-style: chr15-44862719-T-C.
Other names: c.6138+4A>G (NM_001160227.2, NM_001160227.1).
Identifiers: ClinVar variation 41345 (VCV000041345.41), dbSNP rs312262780, ClinGen allele CA344377.